The following is an entry in ClinVar:

NM_001278512.2(AP3B2):c.900dup (p.Asp301fs)

Genes: AP3B2 (adaptor related protein complex 3 subunit beta 2; minus strand), CPEB1-AS1 (CPEB1 antisense RNA 1; plus strand). Cytogenetic location: 15q25.2.
Variant type: Duplication.
Coding change: c.900dup on transcript NM_001278512.2 (MANE Select); coding-DNA position 900, one base duplicated (C; older notation c.900dupC).
Protein change: p.Asp301fs; shifts the reading frame from aspartic acid 301.
Molecular consequence: frameshift variant.
Genome position (GRCh38, 1-based): chr15:82,680,627, G duplicated on the plus strand (C on the coding strand, the reverse complement: AP3B2 is on the minus strand); the first of 4 consecutive G bases (chr15:82,680,627-82,680,630); duplicating any one gives the same sequence. VCF-style (leftmost placement, unchanged base first): chr15-82680626-C-CG. GRCh37 (hg19) VCF-style: chr15-83349378-C-CG.
Other names: c.804dup, p.Asp269fs (NM_001278511.2); c.900dup, p.Asp301fs (NM_004644.5); short protein forms D269fs, D301fs.
Identifiers: ClinVar variation 2005892 (VCV002005892.4), dbSNP rs2548711412, ClinGen allele CA2580090091.

ClinVar aggregate classification (germline): Pathogenic (1 of 4 stars; one submission).

Submission:

Labcorp Genetics (formerly Invitae), Labcorp
Classification: Pathogenic. Last evaluated: 2024-09-23. Review status: criteria provided, single submitter. Criteria: Invitae Variant Classification Sherloc (09022015). Collection method: clinical testing. Allele origin: germline.
Comment: This sequence change creates a premature translational stop signal (p.Asp301Argfs*53) in the AP3B2 gene. It is expected to result in an absent or disrupted protein product. Loss-of-function variants in AP3B2 are known to be pathogenic (PMID: 27889060). This variant is not present in population databases (gnomAD no frequency). This variant has not been reported in the literature in individuals affected with AP3B2-related conditions. ClinVar contains an entry for this variant (Variation ID: 2005892). For these reasons, this variant has been classified as Pathogenic.

Literature cited by the submitters: PubMed 27889060.